The following is an entry in ClinVar:

NM_004329.3(BMPR1A):c.303G>A (p.Met101Ile)

Gene: BMPR1A (bone morphogenetic protein receptor type 1A; plus strand). Cytogenetic location: 10q23.2.
Variant type: single nucleotide variant.
Coding change: c.303G>A on transcript NM_004329.3 (MANE Select); coding-DNA position 303, G replaced by A.
Protein change: p.Met101Ile; replaces methionine 101 with isoleucine.
Molecular consequence: missense variant.
Genome position (GRCh38, 1-based): chr10:86,892,199, G>A. VCF-style: chr10-86892199-G-A. GRCh37 (hg19) VCF-style: chr10-88651956-G-A.
Other names: c.303G>A, p.Met101Ile (NM_001406559.1, NM_001406560.1, NM_001406561.1 and 23 more transcripts); c.219G>A, p.Met73Ile (NM_001406584.1, NM_001406585.1, NM_001406586.1 and 2 more transcripts); short protein forms M73I, M101I.
Identifiers: ClinVar variation 1799139 (VCV001799139.2), dbSNP rs2133408839, ClinGen allele CA377448190.
Genomic context (GRCh38, chr10:86,892,199, plus strand): 5'-TTGCTTTGCCATCATAGAAGAAGATGACCAGGGAGAAACCACATTAGCTTCAGGGTGTAT[G>A]AAATATGAAGGATCTGATTTTCAGTGCAAAGTAAGATATAATTTGGGACCCATGAGACAA-3'
Protein context (NP_004320.2, residues 91-111): QGETTLASGC[Met101Ile]KYEGSDFQCK

ClinVar aggregate classification (germline): Uncertain significance (1 of 4 stars; one submission).

Conditions:
Hereditary cancer-predisposing syndrome. Also called: Neoplastic Syndromes, Hereditary; Tumor predisposition; Hereditary Cancer Syndrome; Hereditary neoplastic syndrome. Identifiers: Orphanet 140162, MedGen C0027672, MeSH D009386, MONDO:0015356.

Submission:

Ambry Genetics
Classification: Uncertain significance for Hereditary cancer-predisposing syndrome. Last evaluated: 2022-09-16. Review status: criteria provided, single submitter. Criteria: Ambry Variant Classification Scheme 2023. Collection method: clinical testing. Allele origin: germline.
Comment: The p.M101I variant (also known as c.303G>A), located in coding exon 3 of the BMPR1A gene, results from a G to A substitution at nucleotide position 303. The methionine at codon 101 is replaced by isoleucine, an amino acid with highly similar properties. This amino acid position is conserved. In addition, this alteration is predicted to be deleterious by in silico analysis. Since supporting evidence is limited at this time, the clinical significance of this alteration remains unclear.